The following is an entry in ClinVar:

ClinVar aggregate classification (germline): Pathogenic (1 of 4 stars; one submission).

Conditions:
Pontocerebellar hypoplasia type 1A (PCH1A). Also called: PONTOCEREBELLAR HYPOPLASIA WITH ANTERIOR HORN CELL DISEASE; PONTOCEREBELLAR HYPOPLASIA WITH INFANTILE SPINAL MUSCULAR ATROPHY. Identifiers: Orphanet 2254, Orphanet 88616, MedGen C1843504, MONDO:0011866, OMIM 607596.

Submission:

Labcorp Genetics (formerly Invitae), Labcorp
Classification: Pathogenic for Pontocerebellar hypoplasia type 1A. Last evaluated: 2023-10-20. Review status: criteria provided, single submitter. Criteria: Invitae Variant Classification Sherloc (09022015). Collection method: clinical testing. Allele origin: unknown.
Comment: This variant is a gross deletion of the genomic region encompassing exon(s) 12-13 of the VRK1 gene, which includes the termination codon. This deletion extends beyond the assayed region for this gene and therefore may encompass additional genes. While this deletion is not anticipated to lead to nonsense mediated decay, it is expected to alter mRNA translation or result in a truncated protein product. This variant has not been reported in the literature in individuals affected with VRK1-related conditions. Experimental studies and prediction algorithms are not available or were not evaluated, and the functional significance of this variant is currently unknown. This variant disrupts a region of the VRK1 protein in which other variant(s) (p.Arg387His) have been determined to be pathogenic (PMID: 31837156; Invitae). This suggests that this is a clinically significant region of the protein, and that variants that disrupt it are likely to be disease-causing. For these reasons, this variant has been classified as Pathogenic.

Literature cited by the submitters: PubMed 31837156.

NC_000014.8:g.(?_97342347)_(97347545_?)del

Gene: VRK1 (VRK serine/threonine kinase 1; plus strand). Cytogenetic location: 14q32.2.
Variant type: Deletion.
Identifiers: ClinVar variation 3243974 (VCV003243974.1).